The following is an entry in ClinVar:

NM_015122.3(FCHO1):c.1948C>T (p.Arg650Ter)

Gene: FCHO1 (FCH and mu domain containing endocytic adaptor 1; plus strand). Cytogenetic location: 19p13.11.
Variant type: single nucleotide variant.
Coding change: c.1948C>T on transcript NM_015122.3 (MANE Select); coding-DNA position 1948, C replaced by T.
Protein change: p.Arg650Ter; replaces arginine 650 with a stop codon.
Molecular consequence: nonsense.
Genome position (GRCh38, 1-based): chr19:17,783,027, C>T. VCF-style: chr19-17783027-C-T. GRCh37 (hg19) VCF-style: chr19-17893836-C-T.
Other names: c.1948C>T, p.Arg650Ter (NM_001161357.2, NM_001161358.2); c.1798C>T, p.Arg600Ter (NM_001161359.2); short protein forms R600*, R650*.
Identifiers: ClinVar variation 805888 (VCV000805888.3), dbSNP rs1336566500, ClinGen allele CA404755800.
Genomic context (GRCh38, chr19:17,783,027, plus strand): 5'-GGCACCAGGCAGAGCCCTAAGCCAACACCCAGTCCCCTCATCCTCCCTAGCTGCCTGGCT[C>T]GAGTAACTGGGGAGCTGACCATGACCTTCCCTGCTGGCATCGTGCGTGTGTTCAGCGGGA-3'

ClinVar aggregate classification (germline): Pathogenic. Review status: criteria provided, single submitter (1 of 4 stars). 2 submissions from 1 submitter: Pathogenic (1). 1 of the submissions does not count toward it. Last evaluated 2019-12-01.

Conditions:
Immunodeficiency with T and B cell lymphopenia.
Severe congenital neutropenia (SCN). Identifiers: Orphanet 42738, MedGen C1853118, MONDO:0018542.

Submissions (2):

Genomics Facility, Ludwig-Maximilians-Universität München
Classification: Pathogenic for Immunodeficiency with T and B cell lymphopenia. Last evaluated: 2019-12-01. Review status: criteria provided, single submitter. Criteria: Åyszkiewicz et al. (Nat Commun. 2020). Collection method: research. Allele origin: germline. Inheritance: Autosomal recessive inheritance. Affected: yes. Observed: 1 homozygote.
Comment: Ten patients from seven unrelated pedigrees with variable T and B cell lymphopenia, who are homozygous for six distinct mutations in FCHO1.

Genomics Facility, Ludwig-Maximilians-Universität München
Classification: Pathogenic for Severe congenital neutropenia. Last evaluated: 2019-12-01. Review status: no assertion criteria provided. Collection method: research. Allele origin: germline. Affected: yes. Not counted in ClinVar's aggregate classification.